The following is an entry in ClinVar:

ClinVar aggregate classification (germline): Conflicting classifications of pathogenicity. Review status: criteria provided, conflicting classifications (1 of 4 stars). 2 submissions from 2 submitters: Uncertain significance (1); Likely benign (1). Last evaluated 2026-02-13.

Conditions:
Hereditary cancer-predisposing syndrome. Also called: Neoplastic Syndromes, Hereditary; Hereditary neoplastic syndrome; Tumor predisposition; Hereditary Cancer Syndrome. Identifiers: Orphanet 140162, MedGen C0027672, MeSH D009386, MONDO:0015356.
Hereditary diffuse gastric adenocarcinoma (HDGC). Also called: DIFFUSE GASTRIC AND LOBULAR BREAST CANCER SYNDROME. Identifiers: Orphanet 26106, MedGen C1708349, MONDO:0007648, OMIM 137215.

Allele frequency attached by ClinVar (database versions not stated): gnomAD exomes below 0.00001; TOPMed below 0.00001.
gnomAD v4.1: 2 of 1,614,138 alleles (0.00012%); highest among the groups gnomAD compares: Admixed American, 0.0017%; no homozygotes.

Submissions (2):

Ambry Genetics
Classification: Likely benign for Hereditary cancer-predisposing syndrome. Last evaluated: 2026-02-13. Review status: criteria provided, single submitter. Criteria: Ambry Variant Classification Scheme 2023. Collection method: clinical testing. Allele origin: germline.

Labcorp Genetics (formerly Invitae), Labcorp
Classification: Uncertain significance for Hereditary diffuse gastric adenocarcinoma. Last evaluated: 2018-10-15. Review status: criteria provided, single submitter. Criteria: Invitae Variant Classification Sherloc (09022015). Collection method: clinical testing. Allele origin: germline.
Comment: This sequence change replaces glutamic acid with glycine at codon 310 of the CDH1 protein (p.Glu310Gly). The glutamic acid residue is weakly conserved and there is a moderate physicochemical difference between glutamic acid and glycine. In summary, the available evidence is currently insufficient to determine the role of this variant in disease. Therefore, it has been classified as a Variant of Uncertain Significance. Algorithms developed to predict the effect of missense changes on protein structure and function (SIFT, PolyPhen-2, Align-GVGD) all suggest that this variant is likely to be tolerated, but these predictions have not been confirmed by published functional studies and their clinical significance is uncertain. This variant has not been reported in the literature in individuals with CDH1-related disease. This variant is not present in population databases (ExAC no frequency).

NM_004360.5(CDH1):c.929A>G (p.Glu310Gly)

Gene: CDH1 (cadherin 1; plus strand). Cytogenetic location: 16q22.1.
Variant type: single nucleotide variant.
Coding change: c.929A>G on transcript NM_004360.5 (MANE Select); coding-DNA position 929, A replaced by G.
Protein change: p.Glu310Gly; replaces glutamic acid 310 with glycine.
Molecular consequence: missense variant. On other transcripts: 5 prime UTR variant (2).
Genome position (GRCh38, 1-based): chr16:68,811,780, A>G. VCF-style: chr16-68811780-A-G. GRCh37 (hg19) VCF-style: chr16-68845683-A-G.
Other names: c.929A>G (LRG_301t1); c.929A>G, p.Glu310Gly (NM_001317184.2); c.-687A>G (NM_001317185.2); c.-891A>G (NM_001317186.2); short protein forms E310G.
Identifiers: ClinVar variation 662997 (VCV000662997.10), dbSNP rs1291900177, ClinGen allele CA396459740.